The following is an entry in ClinVar:

ClinVar aggregate classification (germline): Uncertain significance (1 of 4 stars; one submission).

Submission:

GeneDx
Classification: Uncertain significance. Last evaluated: 2024-08-22. Review status: criteria provided, single submitter. Criteria: GeneDx Variant Classification Process June 2021. Collection method: clinical testing. Allele origin: germline. Affected: yes.
Comment: Not observed at significant frequency in large population cohorts (gnomAD); In silico analysis supports a deleterious effect on splicing; In silico analysis supports that this missense variant has a deleterious effect on protein structure/function; Has not been previously published as pathogenic or benign to our knowledge

NM_058004.4(PI4KA):c.2980G>T (p.Val994Leu)

Gene: PI4KA (phosphatidylinositol 4-kinase alpha; minus strand). Cytogenetic location: 22q11.21.
Variant type: single nucleotide variant.
Coding change: c.2980G>T on transcript NM_058004.4 (MANE Select); coding-DNA position 2980, G replaced by T.
Protein change: p.Val994Leu; replaces valine 994 with leucine.
Molecular consequence: missense variant.
Genome position (GRCh38, 1-based): chr22:20,752,910, C>A on the plus strand (G>T on the coding strand, the complement: PI4KA is on the minus strand). VCF-style: chr22-20752910-C-A. GRCh37 (hg19) VCF-style: chr22-21107198-C-A.
Other names: c.2980G>T, p.Val994Leu (NM_001362862.2); c.2914G>T, p.Val972Leu (NM_001362863.2); short protein forms V972L, V994L.
Identifiers: ClinVar variation 3764325 (VCV003764325.1).